The following is an entry in ClinVar:

ClinVar aggregate classification (germline): Uncertain significance (1 of 4 stars; one submission).

Conditions:
Familial cancer of breast. Also called: BREAST CANCER, FAMILIAL; Hereditary breast cancer; hereditary breast carcinoma. Identifiers: Orphanet 227535, MedGen C0346153, MONDO:0016419, OMIM 114480. Disease mechanism: loss of function.

Submission:

Labcorp Genetics (formerly Invitae), Labcorp
Classification: Uncertain significance for Familial cancer of breast. Last evaluated: 2023-06-27. Review status: criteria provided, single submitter. Criteria: Invitae Variant Classification Sherloc (09022015). Collection method: clinical testing. Allele origin: germline.
Comment: In summary, the available evidence is currently insufficient to determine the role of this variant in disease. Therefore, it has been classified as a Variant of Uncertain Significance. This variant has not been reported in the literature in individuals affected with PALB2-related conditions. Advanced modeling of protein sequence and biophysical properties (such as structural, functional, and spatial information, amino acid conservation, physicochemical variation, residue mobility, and thermodynamic stability) performed at Invitae indicates that this missense variant is expected to disrupt PALB2 protein function. This variant is not present in population databases (gnomAD no frequency). This sequence change replaces glutamic acid, which is acidic and polar, with glycine, which is neutral and non-polar, at codon 940 of the PALB2 protein (p.Glu940Gly).

NM_024675.4(PALB2):c.2819A>G (p.Glu940Gly)

Gene: PALB2 (partner and localizer of BRCA2; minus strand). Cytogenetic location: 16p12.2.
Variant type: single nucleotide variant.
Coding change: c.2819A>G on transcript NM_024675.4 (MANE Select); coding-DNA position 2819, A replaced by G.
Protein change: p.Glu940Gly; replaces glutamic acid 940 with glycine.
Molecular consequence: missense variant.
Genome position (GRCh38, 1-based): chr16:23,624,024, T>C on the plus strand (A>G on the coding strand, the complement: PALB2 is on the minus strand). VCF-style: chr16-23624024-T-C. GRCh37 (hg19) VCF-style: chr16-23635345-T-C.
Other names: c.2759A>G, p.Glu920Gly (NM_001407296.1); c.2747A>G, p.Glu916Gly (NM_001407297.1); c.2657A>G, p.Glu886Gly (NM_001407298.1, NM_001407302.1); c.2819A>G, p.Glu940Gly (NM_001407299.1, NM_001407300.1, NM_001407301.1); c.1934A>G, p.Glu645Gly (NM_001407304.1, NM_001407305.1, NM_001407306.1 and 4 more transcripts); c.1772A>G, p.Glu591Gly (NM_001407307.1); c.1031A>G, p.Glu344Gly (NM_001407312.1, NM_001407313.1); c.353A>G, p.Glu118Gly (NM_001407314.1); short protein forms E344G, E645G, E916G, E920G, E118G, E591G, E886G, E940G.
Identifiers: ClinVar variation 2730719 (VCV002730719.3), dbSNP rs2506348855, ClinGen allele CA395144862.
Genomic context (GRCh38, chr16:23,624,024, plus strand): 5'-GACAAAGATGAAGGAAAAACAAATCACTCCTTGGGAATTACATACCTGATCTCTCTGATT[T>C]CCAAATTTCCCAAAGCTACACACACGAGATTATACACATCAGGCACTGGAACTATCTGTA-3'
Protein context (NP_078951.2, residues 930-950): NLVCVALGNL[Glu940Gly]IREIRALFCS